The following is an entry in ClinVar:

ClinVar aggregate classification (germline): Likely benign. Review status: criteria provided, multiple submitters, no conflicts (2 of 4 stars). 3 submissions from 3 submitters: Likely benign (3). Last evaluated 2023-09-04.

Conditions:
Hereditary cancer-predisposing syndrome. Also called: Neoplastic Syndromes, Hereditary; Tumor predisposition; Hereditary neoplastic syndrome; Hereditary Cancer Syndrome. Identifiers: Orphanet 140162, MedGen C0027672, MeSH D009386, MONDO:0015356.

Submissions (3):

Labcorp Genetics (formerly Invitae), Labcorp
Classification: Likely benign. Last evaluated: 2023-09-04. Review status: criteria provided, single submitter. Criteria: Invitae Variant Classification Sherloc (09022015). Collection method: clinical testing. Allele origin: germline.

GeneDx
Classification: Likely benign. Last evaluated: 2018-05-31. Review status: criteria provided, single submitter. Criteria: GeneDx Variant Classification (06012015). Collection method: clinical testing. Allele origin: germline. Affected: yes.
Comment: This variant is considered likely benign or benign based on one or more of the following criteria: it is a conservative change, it occurs at a poorly conserved position in the protein, it is predicted to be benign by multiple in silico algorithms, and/or has population frequency not consistent with disease.

Ambry Genetics
Classification: Likely benign for Hereditary cancer-predisposing syndrome. Last evaluated: 2015-07-01. Review status: criteria provided, single submitter. Criteria: Ambry Variant Classification Scheme 2023. Collection method: clinical testing. Allele origin: germline.

NM_006231.4(POLE):c.228G>A (p.Lys76=)

Gene: POLE (DNA polymerase epsilon, catalytic subunit; minus strand). Cytogenetic location: 12q24.33.
Variant type: single nucleotide variant.
Coding change: c.228G>A on transcript NM_006231.4 (MANE Select); coding-DNA position 228, G replaced by A.
Protein change: p.Lys76=; no amino-acid change (lysine 76 retained).
Molecular consequence: synonymous variant.
Genome position (GRCh38, 1-based): chr12:132,680,664, C>T on the plus strand (G>A on the coding strand, the complement: POLE is on the minus strand). VCF-style: chr12-132680664-C-T. GRCh37 (hg19) VCF-style: chr12-133257250-C-T.
Identifiers: ClinVar variation 669376 (VCV000669376.6), dbSNP rs1593087243, ClinGen allele CA482725235.